The following is an entry in ClinVar:

ClinVar aggregate classification (germline): Uncertain significance. Review status: criteria provided, multiple submitters, no conflicts (2 of 4 stars). 2 submissions from 2 submitters: Uncertain significance (2). Last evaluated 2020-04-10.

Conditions:
Autosomal recessive limb-girdle muscular dystrophy type 2L (LGMDR12). Also called: Limb-girdle muscular dystrophy, type 2L; Limb-Girdle Muscular Dystrophy R12 Anoctamin-5-Related (LGMD-R12); MUSCULAR DYSTROPHY, LIMB-GIRDLE, AUTOSOMAL RECESSIVE 12. Identifiers: Orphanet 206549, MedGen C1969785, MONDO:0012652, OMIM 611307.
Gnathodiaphyseal dysplasia (GDD). Also called: OSTEOGENESIS IMPERFECTA WITH UNUSUAL SKELETAL LESIONS; GNATHODIAPHYSEAL SCLEROSIS. Identifiers: Orphanet 53697, MedGen C1833736, MONDO:0008151, OMIM 166260.

Submissions (2):

Labcorp Genetics (formerly Invitae), Labcorp
Classification: Uncertain significance for Autosomal recessive limb-girdle muscular dystrophy type 2L; Gnathodiaphyseal dysplasia. Last evaluated: 2020-04-10. Review status: criteria provided, single submitter. Criteria: Invitae Variant Classification Sherloc (09022015). Collection method: clinical testing. Allele origin: germline.
Comment: In summary, the available evidence is currently insufficient to determine the role of this variant in disease. Therefore, it has been classified as a Variant of Uncertain Significance. Algorithms developed to predict the effect of sequence changes on RNA splicing suggest that this variant may create or strengthen a splice site, but this prediction has not been confirmed by published transcriptional studies. Algorithms developed to predict the effect of missense changes on protein structure and function are either unavailable or do not agree on the potential impact of this missense change (SIFT: "Deleterious"; PolyPhen-2: "Possibly Damaging"; Align-GVGD: "Class C0"). This variant has not been reported in the literature in individuals with ANO5-related conditions. This variant is not present in population databases (ExAC no frequency). This sequence change replaces methionine with lysine at codon 470 of the ANO5 protein (p.Met470Lys). The methionine residue is weakly conserved and there is a moderate physicochemical difference between methionine and lysine.

Revvity Omics, Revvity
Classification: Uncertain significance. Last evaluated: 2019-12-02. Review status: criteria provided, single submitter. Criteria: ACMG Guidelines, 2015. Collection method: clinical testing. Allele origin: germline.

NM_213599.3(ANO5):c.1409T>A (p.Met470Lys)

Gene: ANO5 (anoctamin 5; plus strand). Cytogenetic location: 11p14.3.
Variant type: single nucleotide variant.
Coding change: c.1409T>A on transcript NM_213599.3 (MANE Select); coding-DNA position 1409, T replaced by A.
Protein change: p.Met470Lys; replaces methionine 470 with lysine.
Molecular consequence: missense variant.
Genome position (GRCh38, 1-based): chr11:22,259,520, T>A. VCF-style: chr11-22259520-T-A. GRCh37 (hg19) VCF-style: chr11-22281066-T-A.
Other names: c.1406T>A, p.Met469Lys (NM_001142649.2); short protein forms M469K, M470K.
Identifiers: ClinVar variation 835865 (VCV000835865.12), dbSNP rs1403946332, ClinGen allele CA379921974.